The following is an entry in ClinVar:

ClinVar aggregate classification (germline): Pathogenic (1 of 4 stars; one submission).

Conditions:
Nephronophthisis. Also called: Juvenile Nephronophthisis. Identifiers: Orphanet 655, MedGen C0687120, MONDO:0019005, HP:0000090.

Submission:

Labcorp Genetics (formerly Invitae), Labcorp
Classification: Pathogenic for Nephronophthisis. Last evaluated: 2023-03-11. Review status: criteria provided, single submitter. Criteria: Invitae Variant Classification Sherloc (09022015). Collection method: clinical testing. Allele origin: germline.
Comment: This variant is present in population databases (no rsID available, gnomAD 0.0009%). For these reasons, this variant has been classified as Pathogenic. This variant has not been reported in the literature in individuals affected with NPHP1-related conditions. This sequence change creates a premature translational stop signal (p.Gln54Argfs*3) in the NPHP1 gene. It is expected to result in an absent or disrupted protein product. Loss-of-function variants in NPHP1 are known to be pathogenic (PMID: 23559409).

Literature cited by the submitters: PubMed 23559409.

NM_001128178.3(NPHP1):c.161del (p.Gln54fs)

Gene: NPHP1 (nephrocystin 1; minus strand). Cytogenetic location: 2q13.
Variant type: Deletion.
Coding change: c.161del on transcript NM_001128178.3 (MANE Select); coding-DNA position 161, one base deleted (A; older notation c.161delA).
Protein change: p.Gln54fs; shifts the reading frame from glutamine 54.
Molecular consequence: frameshift variant. On other transcripts: intron variant (1).
Genome position (GRCh38, 1-based): chr2:110,179,667, T deleted on the plus strand (A on the coding strand, the reverse complement: NPHP1 is on the minus strand). VCF-style (leftmost placement, unchanged base first): chr2-110179666-CT-C. GRCh37 (hg19) VCF-style: chr2-110937243-CT-C.
Other names: c.161del, p.Gln54fs (NM_000272.5, NM_001374256.1, NM_001374257.1 and 1 more transcripts); c.144-9669del (NM_001128179.3); short protein forms Q54fs.
Identifiers: ClinVar variation 2822364 (VCV002822364.3), dbSNP rs1559090282, ClinGen allele CA535157361.